The following is an entry in ClinVar:

NM_000531.6(OTC):c.908G>T (p.Cys303Phe)

Gene: OTC (ornithine transcarbamylase; plus strand). Cytogenetic location: Xp11.4.
Variant type: single nucleotide variant.
Coding change: c.908G>T on transcript NM_000531.6 (MANE Select); coding-DNA position 908, G replaced by T.
Protein change: p.Cys303Phe; replaces cysteine 303 with phenylalanine.
Molecular consequence: missense variant.
Genome position (GRCh38, 1-based): chrX:38,411,902, G>T. VCF-style: chrX-38411902-G-T. GRCh37 (hg19) VCF-style: chrX-38271155-G-T.
Other names: c.908G>T, p.Cys303Phe (NM_001407092.1); short protein forms C303F.
Identifiers: ClinVar variation 2627424 (VCV002627424.1), dbSNP rs72558464, ClinGen allele CA412725862.
Genomic context (GRCh38, chrX:38,411,902, plus strand): 5'-TCTTATCCCCATCTCTTTAGACTGCTAAAGTTGCTGCCTCTGACTGGACATTTTTACACT[G>T]CTTGCCCAGAAAGCCAGAAGAAGTGGATGATGAAGTCTTTTATTCTCCTCGATCACTAGT-3'
Protein context (NP_000522.3, residues 293-313): VAASDWTFLH[Cys303Phe]LPRKPEEVDD

ClinVar aggregate classification (germline): Uncertain significance (1 of 4 stars; one submission).

Conditions:
Ornithine carbamoyltransferase deficiency (OTCD). Also called: ORNITHINE TRANSCARBAMYLASE DEFICIENCY; Ornithine Carbamoyltransferase Deficiency Disease; OTC DEFICIENCY; ORNITHINE TRANSCARBAMYLASE DEFICIENCY, HYPERAMMONEMIA DUE TO. Identifiers: Orphanet 664, MedGen C0268542, MONDO:0010703, OMIM 311250.

Submission:

Neuberg Centre For Genomic Medicine, NCGM
Classification: Uncertain significance for Ornithine carbamoyltransferase deficiency. Review status: criteria provided, single submitter. Criteria: ACMG Guidelines, 2015. Collection method: clinical testing. Allele origin: germline. Inheritance: X-linked recessive inheritance. Affected: yes.
Comment: The missense variant p.C303F in OTC (NM_000531.6) has not been reported previously as a pathogenic variant nor as a benign variant, to our knowledge. The p.C303F variant is novel (not in any individuals) in gnomAD Exomes and is novel (not in any individuals) in 1000 Genomes. The p.C303F missense variant is predicted to be damaging by both SIFT and PolyPhen2. The cysteine residue at codon 303 of OTC is conserved in all mammalian species. The nucleotide c.908 in OTC is predicted conserved by GERP++ and PhyloP across 100 vertebrates. For these reasons, this variant has been classified as Uncertain Significance.